The following is an entry in ClinVar:

NM_004525.3(LRP2):c.1986G>A (p.Pro662=)

Gene: LRP2 (LDL receptor related protein 2; minus strand). Cytogenetic location: 2q31.1.
Variant type: single nucleotide variant.
Coding change: c.1986G>A on transcript NM_004525.3 (MANE Select); coding-DNA position 1986, G replaced by A.
Protein change: p.Pro662=; no amino-acid change (proline 662 retained).
Molecular consequence: synonymous variant.
Genome position (GRCh38, 1-based): chr2:169,273,057, C>T on the plus strand (G>A on the coding strand, the complement: LRP2 is on the minus strand). VCF-style: chr2-169273057-C-T. GRCh37 (hg19) VCF-style: chr2-170129567-C-T.
Other names: c.1986G>A (NM_004525.2).
Identifiers: ClinVar variation 2960421 (VCV002960421.7), dbSNP rs779851629, ClinGen allele CA1955409.

ClinVar aggregate classification (germline): Likely benign. Review status: criteria provided, multiple submitters, no conflicts (2 of 4 stars). 3 submissions from 3 submitters: Likely benign (2). 1 of the submissions does not count toward it. Last evaluated 2025-04-11.

Conditions:
LRP2-related disorder. Also called: LRP2-related condition.

Allele frequency attached by ClinVar (database versions not stated): TOPMed 0.00001.
gnomAD v4.1: 35 of 1,613,434 alleles (0.0022%); highest among the groups gnomAD compares: Middle Eastern, 0.016%; no homozygotes.

Submissions (4):

Labcorp Genetics (formerly Invitae), Labcorp
Classification: Likely benign. Last evaluated: 2025-04-11. Review status: criteria provided, single submitter. Criteria: Invitae Variant Classification Sherloc (09022015). Collection method: clinical testing. Allele origin: germline.

Blueprint Genetics
Classification: Likely benign. Last evaluated: 2023-06-26. Review status: criteria provided, single submitter. Criteria: ACMG Guidelines, 2015. Collection method: clinical testing. Allele origin: germline.

PreventionGenetics, part of Exact Sciences
Classification: Likely benign for LRP2-related condition. Last evaluated: 2019-04-10. Review status: no assertion criteria provided. Collection method: clinical testing. Allele origin: germline. Not counted in ClinVar's aggregate classification.
Comment: This variant is classified as likely benign based on ACMG/AMP sequence variant interpretation guidelines (Richards et al. 2015 PMID: 25741868, with internal and published modifications).

Dr. Peter K. Rogan Lab, Western University
No classification provided (evidence only). Condition: Cervical cancer. Review status: no classification provided. Collection method: in vitro. Allele origin: not applicable. Functional consequence: retained intron. Not counted in ClinVar's aggregate classification.